The following is an entry in ClinVar:

NM_001386795.1(DTNA):c.646G>T (p.Asp216Tyr)

Gene: DTNA (dystrobrevin alpha; plus strand). Cytogenetic location: 18q12.1.
Variant type: single nucleotide variant.
Coding change: c.646G>T on transcript NM_001386795.1 (MANE Select); coding-DNA position 646, G replaced by T.
Protein change: p.Asp216Tyr; replaces aspartic acid 216 with tyrosine.
Molecular consequence: missense variant. On other transcripts: intron variant (1).
Genome position (GRCh38, 1-based): chr18:34,815,951, G>T. VCF-style: chr18-34815951-G-T. GRCh37 (hg19) VCF-style: chr18-32395915-G-T.
Other names: p.D216Y:GAT>TAT; c.646G>T, p.Asp216Tyr (NM_001128175.2, NM_001198938.2, NM_001198939.2 and 34 more transcripts); c.603+3838G>T (NM_001198945.2); short protein forms D216Y.
Identifiers: ClinVar variation 201770 (VCV000201770.7), dbSNP rs769662524, ClinGen allele CA335141.

ClinVar aggregate classification (germline): Uncertain significance. Review status: criteria provided, multiple submitters, no conflicts (2 of 4 stars). 3 submissions from 3 submitters: Uncertain significance (3). Last evaluated 2025-05-23.

Conditions:
Left ventricular noncompaction 1 (LVNC1). Also called: LEFT VENTRICULAR NONCOMPACTION 1 WITH OR WITHOUT CONGENITAL HEART DEFECTS. Identifiers: Orphanet 54260, MedGen C1858725, MONDO:0011403, OMIM 604169.

Allele frequency attached by ClinVar (database versions not stated): gnomAD exomes below 0.00001; ExAC 0.00001; gnomAD 0.00001; TOPMed 0.00002.
gnomAD v4.1: 2 of 1,613,730 alleles (0.00012%); highest among the groups gnomAD compares: Non-Finnish European, 0.00017%; no homozygotes.

Submissions (3):

Ambry Genetics
Classification: Uncertain significance. Last evaluated: 2025-05-23. Review status: criteria provided, single submitter. Criteria: Ambry Variant Classification Scheme 2023. Collection method: clinical testing. Allele origin: germline.

Labcorp Genetics (formerly Invitae), Labcorp
Classification: Uncertain significance for Left ventricular noncompaction 1. Last evaluated: 2025-05-04. Review status: criteria provided, single submitter. Criteria: Invitae Variant Classification Sherloc (09022015). Collection method: clinical testing. Allele origin: germline.
Comment: This sequence change replaces aspartic acid, which is acidic and polar, with tyrosine, which is neutral and polar, at codon 216 of the DTNA protein (p.Asp216Tyr). This variant is present in population databases (rs769662524, gnomAD 0.0009%). This variant has not been reported in the literature in individuals affected with DTNA-related conditions. ClinVar contains an entry for this variant (Variation ID: 201770). Invitae Evidence Modeling of protein sequence and biophysical properties (such as structural, functional, and spatial information, amino acid conservation, physicochemical variation, residue mobility, and thermodynamic stability) indicates that this missense variant is not expected to disrupt DTNA protein function with a negative predictive value of 80%. Algorithms developed to predict the effect of sequence changes on RNA splicing suggest that this variant may disrupt the consensus splice site. In summary, the available evidence is currently insufficient to determine the role of this variant in disease. Therefore, it has been classified as a Variant of Uncertain Significance.

GeneDx
Classification: Uncertain significance. Last evaluated: 2014-10-02. Review status: criteria provided, single submitter. Criteria: GeneDx Variant Classification (06012015). Collection method: clinical testing. Allele origin: germline. Affected: yes.
Comment: p.Asp216Tyr (GAT>TAT): c.646 G>T in exon 7 of the DTNA gene (NM_032978.6). Although rare, mutations in the DTNA gene have been reported in association with LVNC (Ichida F et al., 2001). The D216Y variant has not been published as a mutation, nor has it been reported as a benign polymorphism to our knowledge. The D216Y variant was not observed in approximately 6,500 individuals of European and African American ancestry in the NHLBI Exome Sequencing Project, indicating it is not a common benign variant in these populations. The D216Y variant is a non-conservative amino acid substitution, which is likely to impact secondary protein structure as these residues differ in polarity, charge, size and/or other properties. This substitution occurs at a position that is conserved across species. In silico analysis predicts this variant is probably damaging to the protein structure/function. However, no missense mutations in nearby residues have been reported in association with cardiomyopathy, suggesting this region of the protein may be tolerant of change. Therefore, based on the currently available information, it is unclear whether this variant is a pathogenic mutation or a rare benign variant. The variant is found in CARDIOMYOPATHY panel(s).